The following is an entry in ClinVar:

NM_002907.4(RECQL):c.472G>C (p.Ala158Pro)

Gene: RECQL (RecQ like helicase; minus strand). Cytogenetic location: 12p12.1.
Variant type: single nucleotide variant.
Coding change: c.472G>C on transcript NM_002907.4 (MANE Select); coding-DNA position 472, G replaced by C.
Protein change: p.Ala158Pro; replaces alanine 158 with proline.
Molecular consequence: missense variant.
Genome position (GRCh38, 1-based): chr12:21,486,508, C>G on the plus strand (G>C on the coding strand, the complement: RECQL is on the minus strand). VCF-style: chr12-21486508-C-G. GRCh37 (hg19) VCF-style: chr12-21639442-C-G.
Other names: c.472G>C, p.Ala158Pro (NM_032941.3); short protein forms A158P.
Identifiers: ClinVar variation 3313495 (VCV003313495.1).

ClinVar aggregate classification (germline): Uncertain significance (1 of 4 stars; one submission).

Submission:

Ambry Genetics
Classification: Uncertain significance. Last evaluated: 2024-03-29. Review status: criteria provided, single submitter. Criteria: Ambry Variant Classification Scheme 2023. Collection method: clinical testing. Allele origin: germline.
Comment: The p.A158P variant (also known as c.472G>C), located in coding exon 4 of the RECQL gene, results from a G to C substitution at nucleotide position 472. The alanine at codon 158 is replaced by proline, an amino acid with highly similar properties. This amino acid position is conserved. In addition, this alteration is predicted to be deleterious by in silico analysis. Based on the available evidence, the clinical significance of this alteration remains unclear.